The following is an entry in ClinVar:

NM_020631.6(PLEKHG5):c.1304A>G (p.Tyr435Cys)

Gene: PLEKHG5 (pleckstrin homology and RhoGEF domain containing G5; minus strand). Cytogenetic location: 1p36.31.
Variant type: single nucleotide variant.
Coding change: c.1304A>G on transcript NM_020631.6 (MANE Select); coding-DNA position 1304, A replaced by G.
Protein change: p.Tyr435Cys; replaces tyrosine 435 with cysteine.
Molecular consequence: missense variant.
Genome position (GRCh38, 1-based): chr1:6,471,078, T>C on the plus strand (A>G on the coding strand, the complement: PLEKHG5 is on the minus strand). VCF-style: chr1-6471078-T-C. GRCh37 (hg19) VCF-style: chr1-6531138-T-C.
Other names: c.1415A>G, p.Tyr472Cys (NM_001042663.3, NM_001265592.2); c.1304A>G, p.Tyr435Cys (NM_001042664.2, NM_001042665.2, NM_001265594.3 and 1 more transcripts); c.1511A>G, p.Tyr504Cys (NM_001265593.2); short protein forms Y504C, Y435C, Y472C.
Identifiers: ClinVar variation 665119 (VCV000665119.9), dbSNP rs1569857188, ClinGen allele CA338128249.

ClinVar aggregate classification (germline): Uncertain significance (1 of 4 stars; one submission).

Conditions:
Charcot-Marie-Tooth disease recessive intermediate C. Also called: CHARCOT-MARIE-TOOTH NEUROPATHY, RECESSIVE INTERMEDIATE C. Identifiers: Orphanet 369867, MedGen C3809309, MONDO:0014154, OMIM 615376.
Neuronopathy, distal hereditary motor, autosomal recessive 4. Also called: Autosomal recessive lower motor neuron disease with childhood onset; NEUROPATHY, DISTAL HEREDITARY MOTOR, AUTOSOMAL RECESSIVE 4. Identifiers: Orphanet 206580, MedGen C1970211, MONDO:0012608, OMIM 611067.

Submission:

Labcorp Genetics (formerly Invitae), Labcorp
Classification: Uncertain significance for Neuronopathy, distal hereditary motor, autosomal recessive 4; Charcot-Marie-Tooth disease recessive intermediate C. Last evaluated: 2021-04-08. Review status: criteria provided, single submitter. Criteria: Invitae Variant Classification Sherloc (09022015). Collection method: clinical testing. Allele origin: germline.
Comment: This variant is not present in population databases (ExAC no frequency). This sequence change replaces tyrosine with cysteine at codon 435 of the PLEKHG5 protein (p.Tyr435Cys). The tyrosine residue is highly conserved and there is a large physicochemical difference between tyrosine and cysteine. This variant has not been reported in the literature in individuals with PLEKHG5-related disease. In summary, the available evidence is currently insufficient to determine the role of this variant in disease. Therefore, it has been classified as a Variant of Uncertain Significance. Algorithms developed to predict the effect of missense changes on protein structure and function are either unavailable or do not agree on the potential impact of this missense change (SIFT: "Deleterious"; PolyPhen-2: "Probably Damaging"; Align-GVGD: "Class C0").